The following is an entry in ClinVar:

ClinVar aggregate classification (germline): Likely pathogenic (1 of 4 stars; one submission).

Conditions:
Shwachman-Diamond syndrome 1 (SDS1). Also called: LIPOMATOSIS OF PANCREAS, CONGENITAL. Identifiers: MedGen C4692625, MONDO:0044204, OMIM 260400.

gnomAD v4.1: 1 of 1,614,098 alleles (0.000062%); highest among the groups gnomAD compares: Non-Finnish European, 0.000085%; no homozygotes.

Submission:

Victorian Clinical Genetics Services, Murdoch Childrens Research Institute
Classification: Likely pathogenic for Shwachman-Diamond syndrome 1. Last evaluated: 2025-01-20. Review status: criteria provided, single submitter. Criteria: ACMG Guidelines, 2015. Collection method: clinical testing. Allele origin: germline. Affected: yes.
Comment: This variant is classified as Likely pathogenic. Evidence in support of pathogenic classification: Variant is present in gnomAD <0.01 for a recessive condition (v4: 1 heterozygote(s), 0 homozygote(s)) ; Another missense variant comparable to the one identified in this case has limited previous evidence for pathogenicity. The p.(Gly63Cys) variant has been reported in the literature in an assumed compound heterozygous state in an individual with Shwachman-Diamond syndrome (PMIDs: 30198570, 25402872); Missense variant predicted to be damaging by in silico tool(s) or highly conserved with a major amino acid change; Heterozygous variant detected in trans with a second PATHOGENIC heterozygous variant (NM_016038.4(SBDS):c.258+2T>C) in a recessive disease. Additional information: Variant is predicted to result in a missense amino acid change from glycine to serine; This variant is heterozygous; This gene is associated with autosomal recessive disease; Alternative amino acid change(s) at the same position are present in gnomAD (Highest allele count: v4: 1 heterozygote(s), 0 homozygote(s)) ; This variant has no previous evidence of pathogenicity; No published segregation evidence has been identified for this variant; No published functional evidence has been identified for this variant; Variant is located in the annotated SBDS domain (DECIPHER); Loss of function is a known mechanism of disease in this gene and is associated with Shwachman-Diamond syndrome (MIM#260400); Variants in this gene are known to have variable expressivity. A phenotypic spectrum with variable severity was observed in a cohort study. In addition, two unrelated asymptomatic individuals were later diagnosed with mild Shwachmann-Diamond syndrome following genetic investigations due to family history and clinical follow-ups (PMID: 24388329); Inheritance information for this variant is not currently available in this individual.

Literature cited by the submitters: PubMed 30198570; PubMed 24388329; PubMed 25402872.

NM_016038.4(SBDS):c.187G>A (p.Gly63Ser)

Gene: SBDS (SBDS ribosome maturation factor; minus strand). Cytogenetic location: 7q11.21.
Variant type: single nucleotide variant.
Coding change: c.187G>A on transcript NM_016038.4 (MANE Select); coding-DNA position 187, G replaced by A.
Protein change: p.Gly63Ser; replaces glycine 63 with serine.
Molecular consequence: missense variant.
Genome position (GRCh38, 1-based): chr7:66,994,283, C>T on the plus strand (G>A on the coding strand, the complement: SBDS is on the minus strand). VCF-style: chr7-66994283-C-T. GRCh37 (hg19) VCF-style: chr7-66459270-C-T.
Other names: short protein forms G63S.
Identifiers: ClinVar variation 4532077 (VCV004532077.1).